The following is an entry in ClinVar:

NM_003872.3(NRP2):c.1609T>C (p.Tyr537His)

Gene: NRP2 (neuropilin 2; plus strand). Cytogenetic location: 2q33.3.
Variant type: single nucleotide variant.
Coding change: c.1609T>C on transcript NM_003872.3 (MANE Select); coding-DNA position 1609, T replaced by C.
Protein change: p.Tyr537His; replaces tyrosine 537 with histidine.
Molecular consequence: missense variant.
Genome position (GRCh38, 1-based): chr2:205,743,520, T>C. VCF-style: chr2-205743520-T-C. GRCh37 (hg19) VCF-style: chr2-206608244-T-C.
Other names: c.1609T>C, p.Tyr537His (NM_018534.4, NM_201264.2, NM_201266.2 and 2 more transcripts); short protein forms Y537H.
Identifiers: ClinVar variation 2277167 (VCV002277167.3), dbSNP rs1302053333, ClinGen allele CA350030248.

ClinVar aggregate classification (germline): Uncertain significance. Review status: criteria provided, multiple submitters, no conflicts (2 of 4 stars). 2 submissions from 2 submitters: Uncertain significance (2). Last evaluated 2025-11-18.

Conditions:
NRP2-related disorder. Also called: NRP2-related condition.

Allele frequency attached by ClinVar (database versions not stated): gnomAD exomes below 0.00001.
gnomAD v4.1: 1 of 1,614,202 alleles (0.000062%); highest among the groups gnomAD compares: Admixed American, 0.0017%; no homozygotes.

Submissions (2):

PreventionGenetics, part of Exact Sciences
Classification: Uncertain significance for NRP2-related condition. Last evaluated: 2025-11-18. Review status: criteria provided, single submitter. Criteria: ACMG Guidelines, 2015. Collection method: clinical testing. Allele origin: germline.
Comment: The NRP2 c.1609T>C variant is predicted to result in the amino acid substitution p.Tyr537His. To our knowledge, this variant has not been reported in the literature. This variant is reported in 0.0029% of alleles in individuals of Latino descent in gnomAD. At this time, the clinical significance of this variant is uncertain due to the absence of conclusive functional and genetic evidence.

Ambry Genetics
Classification: Uncertain significance. Last evaluated: 2022-02-11. Review status: criteria provided, single submitter. Criteria: Ambry Variant Classification Scheme 2023. Collection method: clinical testing. Allele origin: germline.